The following is an entry in ClinVar:

ClinVar aggregate classification (germline): Pathogenic (1 of 4 stars; one submission).

Conditions:
Fanconi-Bickel syndrome (FBS). Also called: PSEUDO-PHLORIZIN DIABETES; FANCONI SYNDROME WITH INTESTINAL MALABSORPTION AND GALACTOSE INTOLERANCE; HEPATIC GLYCOGENOSIS WITH AMINO ACIDURIA AND GLUCOSURIA; HEPATIC GLYCOGENOSIS WITH FANCONI NEPHROPATHY; HEPATORENAL GLYCOGENOSIS WITH RENAL FANCONI SYNDROME; Glycogen storage disease due to GLUT2 deficiency. Identifiers: Orphanet 2088, MedGen C3495427, MONDO:0009216, OMIM 227810.

Submission:

Labcorp Genetics (formerly Invitae), Labcorp
Classification: Pathogenic for Fanconi-Bickel syndrome. Last evaluated: 2025-11-18. Review status: criteria provided, single submitter. Criteria: Invitae Variant Classification Sherloc (09022015). Collection method: clinical testing. Allele origin: germline.
Comment: This sequence change creates a premature translational stop signal (p.Ser112Hisfs*18) in the SLC2A2 gene. It is expected to result in an absent or disrupted protein product. Loss-of-function variants in SLC2A2 are known to be pathogenic (PMID: 11810292). This variant is not present in population databases (gnomAD no frequency). This variant has not been reported in the literature in individuals affected with SLC2A2-related conditions. For these reasons, this variant has been classified as Pathogenic.

Literature cited by the submitters: PubMed 11810292.

NM_000340.2(SLC2A2):c.333del (p.Ser112fs)

Gene: SLC2A2 (solute carrier family 2 member 2; minus strand). Cytogenetic location: 3q26.2.
Variant type: Deletion.
Coding change: c.333del on transcript NM_000340.2 (MANE Select); coding-DNA position 333, one base deleted (A; older notation c.333delA).
Protein change: p.Ser112fs; shifts the reading frame from serine 112.
Molecular consequence: frameshift variant. On other transcripts: 5 prime UTR variant (1), intron variant (1).
Genome position (GRCh38, 1-based): chr3:171,014,507, T deleted on the plus strand (A on the coding strand, the reverse complement: SLC2A2 is on the minus strand). VCF-style (leftmost placement, unchanged base first): chr3-171014506-AT-A. GRCh37 (hg19) VCF-style: chr3-170732295-AT-A.
Other names: c.-62del (NM_001278659.2); c.14+4024del (NM_001278658.2); short protein forms S112fs.
Identifiers: ClinVar variation 4731480 (VCV004731480.1).